The following is an entry in ClinVar:

ClinVar aggregate classification (germline): Uncertain significance (1 of 4 stars; one submission).

gnomAD v4.1: 1 of 1,613,844 alleles (0.000062%); highest among the groups gnomAD compares: Non-Finnish European, 0.000085%; no homozygotes.

Submission:

Ambry Genetics
Classification: Uncertain significance. Last evaluated: 2024-09-01. Review status: criteria provided, single submitter. Criteria: Ambry Variant Classification Scheme 2023. Collection method: clinical testing. Allele origin: germline.
Comment: The p.I1137T variant (also known as c.3410T>C), located in coding exon 16 of the POLQ gene, results from a T to C substitution at nucleotide position 3410. The isoleucine at codon 1137 is replaced by threonine, an amino acid with similar properties. This amino acid position is conserved. In addition, this alteration is predicted to be tolerated by in silico analysis. Based on the available evidence, the clinical significance of this variant remains unclear.

NM_199420.4(POLQ):c.3410T>C (p.Ile1137Thr)

Gene: POLQ (DNA polymerase theta; minus strand). Cytogenetic location: 3q13.33.
Variant type: single nucleotide variant.
Coding change: c.3410T>C on transcript NM_199420.4 (MANE Select); coding-DNA position 3410, T replaced by C.
Protein change: p.Ile1137Thr; replaces isoleucine 1137 with threonine.
Molecular consequence: missense variant.
Genome position (GRCh38, 1-based): chr3:121,489,521, A>G on the plus strand (T>C on the coding strand, the complement: POLQ is on the minus strand). VCF-style: chr3-121489521-A-G. GRCh37 (hg19) VCF-style: chr3-121208368-A-G.
Other names: short protein forms I1137T.
Identifiers: ClinVar variation 3422523 (VCV003422523.1).